The following is an entry in ClinVar:

ClinVar aggregate classification (germline): Uncertain significance. Review status: criteria provided, multiple submitters, no conflicts (2 of 4 stars). 8 submissions from 7 submitters: Uncertain significance (8). Last evaluated 2023-11-04.

Conditions:
Usher syndrome type 2A. Also called: RETINAL DISEASE IN USHER SYNDROME TYPE IIA, MODIFIER OF; USHER SYNDROME, TYPE IIA. Identifiers: Orphanet 231178, Orphanet 886, MedGen C1848634, MONDO:0010169, OMIM 276901.
Retinitis pigmentosa 39 (RP39). Identifiers: Orphanet 791, MedGen C3151138, MONDO:0013436, OMIM 613809.
Retinal dystrophy. Also called: Inherited retinal dystrophy. Identifiers: Orphanet 71862, MedGen C0854723, MeSH D058499, MONDO:0019118, HP:0000556.

Allele frequency attached by ClinVar (database versions not stated): 1000 Genomes Project 0.00020; 1000 Genomes Project 30x 0.00031; gnomAD 0.00003 and 0.00005; gnomAD exomes 0.00004 and 0.00014; TOPMed 0.00008; ExAC 0.00011.
gnomAD v4.1: 65 of 1,613,582 alleles (0.004%); highest among the groups gnomAD compares: East Asian, 0.067%; no homozygotes.

Submissions (8):

Genome-Nilou Lab
Classification: Uncertain significance for Retinitis pigmentosa 39. Last evaluated: 2023-11-04. Review status: criteria provided, single submitter. Criteria: ACMG Guidelines, 2015. Collection method: clinical testing. Allele origin: germline. Affected: no.

Genome-Nilou Lab
Classification: Uncertain significance for Usher syndrome type 2A. Last evaluated: 2023-11-04. Review status: criteria provided, single submitter. Criteria: ACMG Guidelines, 2015. Collection method: clinical testing. Allele origin: germline. Affected: no.

Dept Of Ophthalmology, Nagoya University
Classification: Uncertain significance for Retinal dystrophy. Last evaluated: 2023-10-01. Review status: criteria provided, single submitter. Criteria: Submitter's publication. Collection method: research. Allele origin: germline. Affected: yes.

Blueprint Genetics
Classification: Uncertain significance. Last evaluated: 2023-04-12. Review status: criteria provided, single submitter. Criteria: ACMG Guidelines, 2015. Collection method: clinical testing. Allele origin: germline.

Labcorp Genetics (formerly Invitae), Labcorp
Classification: Uncertain significance. Last evaluated: 2022-07-19. Review status: criteria provided, single submitter. Criteria: Invitae Variant Classification Sherloc (09022015). Collection method: clinical testing. Allele origin: germline.
Comment: This sequence change replaces isoleucine, which is neutral and non-polar, with valine, which is neutral and non-polar, at codon 3082 of the USH2A protein (p.Ile3082Val). This variant is present in population databases (rs527689947, gnomAD 0.1%). This missense change has been observed in individual(s) with retinitis pigmentosa (PMID: 24938718, 31213501, 32188678, 33297549). ClinVar contains an entry for this variant (Variation ID: 1343763). Algorithms developed to predict the effect of missense changes on protein structure and function output the following: SIFT: "Tolerated"; PolyPhen-2: "Benign"; Align-GVGD: "Class C0". The valine amino acid residue is found in multiple mammalian species, which suggests that this missense change does not adversely affect protein function. In summary, the available evidence is currently insufficient to determine the role of this variant in disease. Therefore, it has been classified as a Variant of Uncertain Significance.

Victorian Clinical Genetics Services, Murdoch Childrens Research Institute
Classification: Uncertain significance for Usher syndrome type 2A. Last evaluated: 2022-06-24. Review status: criteria provided, single submitter. Criteria: ACMG Guidelines, 2015. Collection method: clinical testing. Allele origin: germline. Inheritance: Autosomal recessive inheritance.
Comment: Based on the classification scheme VCGS_Germline_v1.3.4, this variant is classified as VUS-3A. The following criteria are met: 0102 - Loss of function is a known mechanism of disease in this gene and is associated with retinitis pigmentosa 39 (MIM#613809) and Usher syndrome, type 2A (MIM#276901). (I) 0106 - This gene is associated with autosomal recessive disease. (I) 0200 - Variant is predicted to result in a missense amino acid change from isoleucine to valine. (I) 0251 - This variant is heterozygous. (I) 0304 - Variant is present in gnomAD (v2) <0.01 for a recessive condition (35 heterozygotes, 0 homozygotes). (SP) 0504 - Same amino acid change has been observed in placental mammals. (SB) 0600 - Variant is located in the annotated Fibronectin type 3 domain 17 (NCBI, UniProt). (I) 0803 - This variant has limited previous evidence of pathogenicity in unrelated individuals. This variant has been reported in multiple individuals with retinal condition or hearing loss however these reports do not provide conclusive evidence supporting the clinical significance of the variant (PMID: 24938718, 31213501, 33297549, 32188678). It has also been reported once as VUS in ClinVar. (SP) 0905 - No published segregation evidence has been identified for this variant. (I) 1007 - No published functional evidence has been identified for this variant. (I) 0705 - No comparable missense variants have previous evidence for pathogenicity. (I) Legend: (SP) - Supporting pathogenic, (I) - Information, (SB) - Supporting benign

Women's Health and Genetics/Laboratory Corporation of America, LabCorp
Classification: Uncertain significance. Last evaluated: 2022-02-02. Review status: criteria provided, single submitter. Criteria: LabCorp Variant Classification Summary - May 2015. Collection method: clinical testing. Allele origin: germline.
Comment: Variant summary: USH2A c.9244A>G (p.Ile3082Val) results in a conservative amino acid change located in a fibronectin type-III (FN3) repeat (IPR003961) of the encoded protein sequence. Five of five in-silico tools predict a benign effect of the variant on protein function. The variant allele was found at a frequency of 0.00014 in 250444 control chromosomes, predominantly at a frequency of 0.0013 within the East Asian subpopulation in the gnomAD database. This frequency is not significantly higher than the estimated maximum expected for a pathogenic variant in USH2A causing Usher Syndrome (0.011), allowing no conclusion about variant significance. The variant, c.9244A>G has been reported in the literature in East Asian individuals affected with retinitis pigmentosa (Xu_2014, Koyanagi_2019, Gao_2021) and in an individual (ethnicity not specified) with non-syndromic hearing loss (Garcia-Garcia_2020). However, these data do not allow clear conclusions about variant significance. To our knowledge, no experimental evidence demonstrating an impact on protein function has been reported. No clinical diagnostic laboratories have submitted clinical-significance assessments for this variant to ClinVar after 2014. Based on the evidence outlined above, the variant was classified as VUS-possibly pathogenic.

Juno Genomics, Hangzhou Juno Genomics, Inc
Classification: Uncertain significance for Retinitis pigmentosa 39; Usher syndrome type 2A. Review status: criteria provided, single submitter. Criteria: ACMG Guidelines, 2015. Collection method: clinical testing. Allele origin: germline.
Comment: For recessive disorders, detected in trans with a pathogenic variant.;Patient's phenotype or family history is highly specific for a disease with a single genetic etiology.

Literature cited by the submitters: PubMed 24938718 (cited by 3 submitters); PubMed 31213501 (cited by 3 submitters); PubMed 32188678 (cited by 3 submitters); PubMed 33297549 (cited by 3 submitters).

NM_206933.4(USH2A):c.9244A>G (p.Ile3082Val)

Gene: USH2A (usherin; minus strand). Cytogenetic location: 1q41.
Variant type: single nucleotide variant.
Coding change: c.9244A>G on transcript NM_206933.4 (MANE Select); coding-DNA position 9244, A replaced by G.
Protein change: p.Ile3082Val; replaces isoleucine 3082 with valine.
Molecular consequence: missense variant.
Genome position (GRCh38, 1-based): chr1:215,844,308, T>C on the plus strand (A>G on the coding strand, the complement: USH2A is on the minus strand). VCF-style: chr1-215844308-T-C. GRCh37 (hg19) VCF-style: chr1-216017650-T-C.
Other names: short protein forms I3082V.
Identifiers: ClinVar variation 1343763 (VCV001343763.10), dbSNP rs527689947, ClinGen allele CA1394382.
Genomic context (GRCh38, chr1:215,844,308, plus strand): 5'-ATTTAACATATCCATAAGCCTAACCATCAAAAAACAATGTTCTAACCTGAATGTCATAGA[T>C]AGTGAAGGGAGACAGGTCTCTCAGAATAAACGACCCAGGCACATTCATTCCAGTCTTGTA-3'
Protein context (NP_996816.3, residues 3072-3092): FILRDLSPFT[Ile3082Val]YDIQVEVCTI